The following is an entry in ClinVar:

NM_175914.5(HNF4A):c.427-2A>G

Gene: HNF4A (hepatocyte nuclear factor 4 alpha; plus strand). Cytogenetic location: 20q13.12.
Variant type: single nucleotide variant.
Coding change: c.427-2A>G on transcript NM_175914.5 (MANE Select); the canonical splice acceptor site of the intron before coding-DNA position 427, A replaced by G.
Molecular consequence: splice acceptor variant.
Genome position (GRCh38, 1-based): chr20:44,414,505, A>G. VCF-style: chr20-44414505-A-G. GRCh37 (hg19) VCF-style: chr20-43043145-A-G.
Other names: NM_175914.5:c.427-2A>G; c.418-2A>G (NM_001287182.2, NM_001287183.2, NM_001287184.2); c.427-2A>G (NM_001030003.3, NM_001030004.3); c.472-2A>G (NM_001258355.2); c.493-2A>G (NM_178849.3, NM_000457.6, NM_178850.3).
Identifiers: ClinVar variation 2505491 (VCV002505491.1), dbSNP rs2515679217, ClinGen allele CA409105868.
Genomic context (GRCh38, chr20:44,414,505, plus strand): 5'-GGGACAGAGAGTGCGGGAGGGCCCGGACATCTCCAGCATTTTCTTCCCTGTATCTCTCGA[A>G]GATCACCTCCCCCGTCTCCGGGATCAACGGCGACATTCGGGCGAAGAAGATTGCCAGCAT-3'

ClinVar aggregate classification (germline): Likely pathogenic (3 of 4 stars; one submission).

Conditions:
Monogenic diabetes. Identifiers: Orphanet 183625, MedGen C3888631, MONDO:0015967.

Submission:

ClinGen Monogenic Diabetes Variant Curation Expert Panel
Classification: Likely pathogenic for Monogenic diabetes. Last evaluated: 2023-05-27. Review status: reviewed by expert panel. Criteria: MDEP HNF4A Specificiations 1.0.0. Collection method: curation. Allele origin: germline. Inheritance: Autosomal dominant inheritance.
Comment: The c.427-2A>G variant in the HNF4A gene, is predicted to remove a canonical splice acceptor site in intron 4 of NM_175914.4. This variant is predicted to cause an in-frame deletion of biologically-relevant exon 5 of 10, removing more than 10% of the protein (PVS1_Strong). This variant was identified in three unrelated individuals with non-autoimmune and non-absolute/near-absolute insulin-deficient diabetes; however, PS4_Moderate cannot be applied because this number is below the ClinGen MDEP threshold (internal laboratory collaborators, PMID 36504295). This variant is absent from gnomAD v2.1.1 (PM2_Supporting). This variant segregated with diabetes, with three informative meioses in 1 family with MODY (PP1; internal laboratory collaborators). This variant was identified in at least 2 individuals with a clinical history highly specific for HNF4A-MODY (MODY probability calculator result >50%, negative genetic testing for HNF1A, and history of macrosomia and neonatal hypoglycemia) (PP4_Moderate; internal laboratory collaborators). In summary, c.427-2A>G meets the criteria to be classified as likely pathogenic for monogenic diabetes. ACMG/AMP criteria applied, as specified by the ClinGen MDEP (specification version 1.0.0, approved 11/16/2022): PVS1_Strong, PM2_Supporting, PP1, PP4_Moderate.